The following is an entry in ClinVar:

NM_024753.5(TTC21B):c.114C>G (p.Val38=)

Gene: TTC21B (tetratricopeptide repeat domain 21B; minus strand). Cytogenetic location: 2q24.3.
Variant type: single nucleotide variant.
Coding change: c.114C>G on transcript NM_024753.5 (MANE Select); coding-DNA position 114, C replaced by G.
Protein change: p.Val38=; no amino-acid change (valine 38 retained).
Molecular consequence: synonymous variant.
Genome position (GRCh38, 1-based): chr2:165,949,632, G>C on the plus strand (C>G on the coding strand, the complement: TTC21B is on the minus strand). VCF-style: chr2-165949632-G-C. GRCh37 (hg19) VCF-style: chr2-166806142-G-C.
Other names: p.Val38=.
Identifiers: ClinVar variation 130648 (VCV000130648.36), dbSNP rs34486024, ClinGen allele CA155840.

ClinVar aggregate classification (germline): Benign/Likely benign. Review status: criteria provided, multiple submitters, no conflicts (2 of 4 stars). 11 submissions from 10 submitters: Benign (8); Likely benign (2). 1 of the submissions does not count toward it. Last evaluated 2026-01-25.

Conditions:
Jeune thoracic dystrophy. Also called: Jeune syndrome; Infantile thoracic dystrophy; Thoracic pelvic phalangeal dystrophy; Jeune's syndrome; Chondroectodermal dysplasia-like syndrome; Short-rib thoracic dysplasia. Identifiers: Orphanet 474, MedGen C0265275, MONDO:0018770.
Nephronophthisis. Also called: Juvenile Nephronophthisis. Identifiers: Orphanet 655, MedGen C0687120, MONDO:0019005, HP:0000090.
Nephronophthisis 12 (NPHP12). Identifiers: Orphanet 655, MedGen C3151186, MONDO:0013442, OMIM 613820.
Asphyxiating thoracic dystrophy 4 (SRTD4). Also called: SHORT-RIB THORACIC DYSPLASIA 4 WITH OR WITHOUT POLYDACTYLY; SHORT-RIB THORACIC DYSPLASIA 4. Identifiers: Orphanet 474, MedGen C3151185, MONDO:0013441, OMIM 613819.
Connective tissue disorder. Also called: Connective tissue disease. Identifiers: MedGen C0009782, MONDO:0003900.

Allele frequency attached by ClinVar (database versions not stated): ExAC 0.00243; 1000 Genomes Project 0.00679; 1000 Genomes Project 30x 0.00796; ESP Exome Variant Server 0.00946; TOPMed 0.00966.
gnomAD v4.1: 2,464 of 1,613,594 alleles (0.15%); highest among the groups gnomAD compares: African/African-American, 3%; 37 homozygotes.

Submissions (11):

Labcorp Genetics (formerly Invitae), Labcorp
Classification: Benign for Jeune thoracic dystrophy; Nephronophthisis. Last evaluated: 2026-01-25. Review status: criteria provided, single submitter. Criteria: Invitae Variant Classification Sherloc (09022015). Collection method: clinical testing. Allele origin: germline.

ARUP Laboratories, Molecular Genetics and Genomics, ARUP Laboratories
Classification: Benign. Last evaluated: 2025-02-25. Review status: criteria provided, single submitter. Criteria: ARUP Molecular Germline Variant Investigation Process 2024. Collection method: clinical testing. Allele origin: germline.

Blueprint Genetics
Classification: Likely benign. Last evaluated: 2024-10-08. Review status: criteria provided, single submitter. Criteria: ACMG Guidelines, 2015. Collection method: clinical testing. Allele origin: germline.

Mayo Clinic Laboratories, Mayo Clinic
Classification: Benign. Last evaluated: 2023-04-20. Review status: criteria provided, single submitter. Criteria: ACMG Guidelines, 2015. Collection method: clinical testing. Allele origin: germline. Observed: 5 variant alleles.
Comment: BS1, BS2, BP4, BP7

Genome Diagnostics Laboratory, The Hospital for Sick Children
Classification: Likely benign for Connective tissue disorder. Last evaluated: 2019-05-01. Review status: criteria provided, single submitter. Criteria: ACMG Guidelines, 2015. Collection method: clinical testing. Allele origin: germline.

Illumina Laboratory Services, Illumina
Classification: Benign for Nephronophthisis 12. Last evaluated: 2017-04-27. Review status: criteria provided, single submitter. Criteria: ICSL Variant Classification Criteria 13 December 2019. Collection method: clinical testing. Allele origin: germline.
Comment: This variant was observed as part of a predisposition screen in an ostensibly healthy population. A literature search was performed for the gene, cDNA change, and amino acid change (where applicable). No publications were found based on this search. Allele frequency data from public databases was too high to be consistent with this variant causing disease. Therefore, this variant is classified as benign.

Illumina Laboratory Services, Illumina
Classification: Benign for Asphyxiating thoracic dystrophy 4. Last evaluated: 2017-04-27. Review status: criteria provided, single submitter. Criteria: ICSL Variant Classification Criteria 13 December 2019. Collection method: clinical testing. Allele origin: germline.
Comment: the same text as in the submission from Illumina Laboratory Services, Illumina above.

GeneDx
Classification: Benign. Last evaluated: 2016-10-06. Review status: criteria provided, single submitter. Criteria: GeneDx Variant Classification (06012015). Collection method: clinical testing. Allele origin: germline. Affected: yes.
Comment: This variant is considered likely benign or benign based on one or more of the following criteria: it is a conservative change, it occurs at a poorly conserved position in the protein, it is predicted to be benign by multiple in silico algorithms, and/or has population frequency not consistent with disease.

Breakthrough Genomics
Classification: Benign. Review status: criteria provided, single submitter. Criteria: ACMG Guidelines, 2015. Collection method: not provided. Allele origin: germline. Inheritance: Autosomal recessive inheritance. Affected: yes.

PreventionGenetics, part of Exact Sciences
Classification: Benign. Review status: criteria provided, single submitter. Criteria: ACMG Guidelines, 2015. Collection method: clinical testing. Allele origin: germline.

Genetic Services Laboratory, University of Chicago
Classification: Likely benign for AllHighlyPenetrant. Review status: no assertion criteria provided. Collection method: clinical testing. Allele origin: germline. Inheritance: Autosomal recessive inheritance. Not counted in ClinVar's aggregate classification.
Comment: Likely benign based on allele frequency in 1000 Genomes Project or ESP global frequency and its presence in a patient with a rare or unrelated disease phenotype. NOT Sanger confirmed.